The following is an entry in ClinVar:

ClinVar aggregate classification (germline): Benign/Likely benign. Review status: criteria provided, multiple submitters, no conflicts (2 of 4 stars). 3 submissions from 3 submitters: Benign (1); Likely benign (2). Last evaluated 2026-04-26.

Conditions:
Hereditary cancer-predisposing syndrome. Also called: Hereditary Cancer Syndrome; Neoplastic Syndromes, Hereditary; Hereditary neoplastic syndrome; Tumor predisposition. Identifiers: Orphanet 140162, MedGen C0027672, MeSH D009386, MONDO:0015356.
Ataxia-telangiectasia syndrome (AT). Also called: LOUIS-BAR SYNDROME; Ataxia-telangiectasia, complementation group E; Ataxia telangiectasia (A-T); Cerebello-oculocutaneous telangiectasia; Immunodeficiency with ataxia telangiectasia; Ataxia-telangiectasia, complementation group D. Identifiers: Orphanet 100, MedGen C0004135, MONDO:0008840, OMIM 208900.
Familial cancer of breast. Also called: BREAST CANCER, FAMILIAL; Hereditary breast cancer; hereditary breast carcinoma. Identifiers: Orphanet 227535, MedGen C0346153, MONDO:0016419, OMIM 114480. Disease mechanism: loss of function.

Allele frequency attached by ClinVar (database versions not stated): gnomAD exomes below 0.00001.
gnomAD v4.1: 2 of 1,613,604 alleles (0.00012%); highest among the groups gnomAD compares: South Asian, 0.0022%; no homozygotes.

Submissions (3):

Ambry Genetics
Classification: Likely benign for Hereditary cancer-predisposing syndrome. Last evaluated: 2026-04-26. Review status: criteria provided, single submitter. Criteria: Ambry Variant Classification Scheme 2023. Collection method: clinical testing. Allele origin: germline.

Labcorp Genetics (formerly Invitae), Labcorp
Classification: Likely benign for Ataxia-telangiectasia syndrome. Last evaluated: 2025-03-09. Review status: criteria provided, single submitter. Criteria: Invitae Variant Classification Sherloc (09022015). Collection method: clinical testing. Allele origin: germline.

Myriad Genetics, Inc.
Classification: Benign for Familial cancer of breast. Last evaluated: 2024-05-17. Review status: criteria provided, single submitter. Criteria: Myriad Autosomal Dominant, Autosomal Recessive and X-Linked Classification Criteria (2023). Collection method: clinical testing. Allele origin: unknown.
Comment: This variant is considered benign. This variant is a silent/synonymous amino acid change and it is not expected to impact splicing.

NM_000051.4(ATM):c.4386C>A (p.Ala1462=)

Gene: ATM (ATM serine/threonine kinase; plus strand). Cytogenetic location: 11q22.3.
Variant type: single nucleotide variant.
Coding change: c.4386C>A on transcript NM_000051.4 (MANE Select); coding-DNA position 4386, C replaced by A.
Protein change: p.Ala1462=; no amino-acid change (alanine 1462 retained).
Molecular consequence: synonymous variant.
Genome position (GRCh38, 1-based): chr11:108,289,751, C>A. VCF-style: chr11-108289751-C-A. GRCh37 (hg19) VCF-style: chr11-108160478-C-A.
Other names: c.4386C>A, p.Ala1462= (NM_001351834.2); c.4386C>A (NM_000051.3).
Identifiers: ClinVar variation 1662714 (VCV001662714.10), dbSNP rs1433672958, ClinGen allele CA476674007.